The following is an entry in ClinVar:

ClinVar aggregate classification (germline): Pathogenic/Likely pathogenic. Review status: criteria provided, multiple submitters, no conflicts (2 of 4 stars). 3 submissions from 3 submitters: Pathogenic (1); Likely pathogenic (1). 1 of the submissions does not count toward it. Last evaluated 2023-11-17.

Conditions:
Marfan syndrome (MFS). Also called: MARFAN SYNDROME, TYPE I; FBN1-Related Marfan Syndrome; Marfan syndrome type 1; Marfan's syndrome; Marfan syndrome, classic. Identifiers: Orphanet 284963, Orphanet 558, MedGen C0024796, MONDO:0007947, OMIM 154700.
Familial thoracic aortic aneurysm and aortic dissection (TAAD). Also called: Thoracic aortic aneurysms and dissections. Identifiers: Orphanet 91387, MedGen C4707243, MONDO:0019625.

Submissions (3):

Labcorp Genetics (formerly Invitae), Labcorp
Classification: Pathogenic for Marfan syndrome; Familial thoracic aortic aneurysm and aortic dissection. Last evaluated: 2023-11-17. Review status: criteria provided, single submitter. Criteria: Invitae Variant Classification Sherloc (09022015). Collection method: clinical testing. Allele origin: germline.
Comment: This sequence change replaces cysteine, which is neutral and slightly polar, with phenylalanine, which is neutral and non-polar, at codon 1420 of the FBN1 protein (p.Cys1420Phe). This variant is not present in population databases (gnomAD no frequency). This missense change has been observed in individual(s) with Marfan syndrome (PMID: 19293843). In at least one individual the variant was observed to be de novo. ClinVar contains an entry for this variant (Variation ID: 427006). Advanced modeling of protein sequence and biophysical properties (such as structural, functional, and spatial information, amino acid conservation, physicochemical variation, residue mobility, and thermodynamic stability) performed at Invitae indicates that this missense variant is expected to disrupt FBN1 protein function with a positive predictive value of 95%. This variant affects a cysteine residue in the EGF-like, TGFBP or hybrid motif domains of FBN1. Cysteine residues are believed to be involved in intramolecular disulfide bridges and have been shown to be important for FBN1 protein structure (PMID: 16905551, 19349279). In addition, missense substitutions affecting cysteine residues within these domains are significantly overrepresented among patients with Marfan syndrome (PMID: 16571647, 17701892). For these reasons, this variant has been classified as Pathogenic.

GeneDx
Classification: Likely pathogenic. Last evaluated: 2016-05-02. Review status: criteria provided, single submitter. Criteria: GeneDx Variant Classification (06012015). Collection method: clinical testing. Allele origin: germline. Affected: yes.
Comment: The C1420F variant in the FBN1 gene has been reported in associated with Marfan syndrome (Collod-Beroud et al., 2003; Stheneuer et al., 2009). Furthermore, the C1420F was not present in 200 control individuals (Stheneuer et al., 2009). C1420F results in a non-conservative amino acid substitution of Cysteine at a position that is conserved across species. A variant in the same residue (C1420W) and in nearby residues (L1421F, P1424A, P1424S) have been reported in HGMD in association with Marfan syndrome (Stenson P et al., 2014), further supporting the functional importance of this region of the protein. The C1420F variant affects a Cysteine residue within a calcium-binding EGF-like domain of the FBN1, which may affect disulfide bonding and is predicted to alter the structure and function of the protein. Cysteine substitutions in the calcium-binding EGF-like domains represent the majority of pathogenic missense changes associated with Marfan syndrome (Collod-Beroud et al., 2003). Furthermore, the C1420F variant was not observed in approximately 6,500 individuals of European and African American ancestry in the NHLBI Exome Sequencing Project, indicating it is not a common benign variant in these populations

Center for Medical Genetics Ghent, University of Ghent
Classification: Pathogenic for Marfan syndrome. Last evaluated: 2017-11-07. Review status: no assertion criteria provided. Collection method: clinical testing. Allele origin: de novo. Affected: yes. Not counted in ClinVar's aggregate classification.

Literature cited by the submitters: PubMed 19293843 (cited by Labcorp Genetics (formerly Invitae), Labcorp); PubMed 16905551 (cited by Labcorp Genetics (formerly Invitae), Labcorp); PubMed 19349279 (cited by Labcorp Genetics (formerly Invitae), Labcorp); PubMed 16571647 (cited by Labcorp Genetics (formerly Invitae), Labcorp); PubMed 17701892 (cited by Labcorp Genetics (formerly Invitae), Labcorp).

NM_000138.5(FBN1):c.4259G>T (p.Cys1420Phe)

Genes: FBN1 (fibrillin 1; minus strand), LOC126862124 (CDK7 strongly-dependent group 2 enhancer GRCh37_chr15:48764566-48765765; plus strand). Cytogenetic location: 15q21.1.
Variant type: single nucleotide variant.
Coding change: c.4259G>T on transcript NM_000138.5 (MANE Select); coding-DNA position 4259, G replaced by T.
Protein change: p.Cys1420Phe; replaces cysteine 1420 with phenylalanine.
Molecular consequence: missense variant.
Genome position (GRCh38, 1-based): chr15:48,472,628, C>A on the plus strand (G>T on the coding strand, the complement: FBN1 is on the minus strand). VCF-style: chr15-48472628-C-A. GRCh37 (hg19) VCF-style: chr15-48764825-C-A.
Other names: short protein forms C1420F.
Identifiers: ClinVar variation 427006 (VCV000427006.5), dbSNP rs397515804, ClinGen allele CA392317902.